The following is an entry in ClinVar:

ClinVar aggregate classification (germline): Uncertain significance (1 of 4 stars; one submission).

Conditions:
PHRF1-related disorder. Also called: PHRF1-related condition.

gnomAD v4.1: 2 of 1,611,112 alleles (0.00012%); highest among the groups gnomAD compares: Non-Finnish European, 0.00017%; no homozygotes.

Submission:

PreventionGenetics, part of Exact Sciences
Classification: Uncertain significance for PHRF1-related condition. Last evaluated: 2023-08-16. Review status: criteria provided, single submitter. Criteria: ACMG Guidelines, 2015. Collection method: clinical testing. Allele origin: germline.
Comment: The PHRF1 c.3275G>C variant is predicted to result in the amino acid substitution p.Arg1092Pro. To our knowledge, this variant has not been reported in the literature or in a large population database, indicating this variant is rare. At this time, the clinical significance of this variant is uncertain due to the absence of conclusive functional and genetic evidence.

NM_001286581.2(PHRF1):c.3275G>C (p.Arg1092Pro)

Gene: PHRF1 (PHD and ring finger domains 1; plus strand). Cytogenetic location: 11p15.5.
Variant type: single nucleotide variant.
Coding change: c.3275G>C on transcript NM_001286581.2 (MANE Select); coding-DNA position 3275, G replaced by C.
Protein change: p.Arg1092Pro; replaces arginine 1092 with proline.
Molecular consequence: missense variant.
Genome position (GRCh38, 1-based): chr11:608,731, G>C. VCF-style: chr11-608731-G-C. GRCh37 (hg19) VCF-style: chr11-608731-G-C.
Other names: c.3269G>C, p.Arg1090Pro (NM_001286582.2); c.3263G>C, p.Arg1088Pro (NM_001286583.2); c.3272G>C, p.Arg1091Pro (NM_020901.4); short protein forms R1088P, R1090P, R1091P, R1092P.
Identifiers: ClinVar variation 2631371 (VCV002631371.1), dbSNP rs1199430082, ClinGen allele CA378955183.